The following is an entry in ClinVar:

NM_003737.4(DCHS1):c.7413G>T (p.Gln2471His)

Gene: DCHS1 (dachsous cadherin-related 1; minus strand). Cytogenetic location: 11p15.4.
Variant type: single nucleotide variant.
Coding change: c.7413G>T on transcript NM_003737.4 (MANE Select); coding-DNA position 7413, G replaced by T.
Protein change: p.Gln2471His; replaces glutamine 2471 with histidine.
Molecular consequence: missense variant.
Genome position (GRCh38, 1-based): chr11:6,624,263, C>A on the plus strand (G>T on the coding strand, the complement: DCHS1 is on the minus strand). VCF-style: chr11-6624263-C-A. GRCh37 (hg19) VCF-style: chr11-6645494-C-A.
Other names: short protein forms Q2471H.
Identifiers: ClinVar variation 4689434 (VCV004689434.1).

ClinVar aggregate classification (germline): Uncertain significance (1 of 4 stars; one submission).

gnomAD v4.1: 2 of 1,611,482 alleles (0.00012%); highest among the groups gnomAD compares: African/African-American, 0.0013%; no homozygotes.

Submission:

Women's Health and Genetics/Laboratory Corporation of America, LabCorp
Classification: Uncertain significance. Last evaluated: 2026-01-27. Review status: criteria provided, single submitter. Criteria: LabCorp Variant Classification Summary - May 2015. Collection method: clinical testing. Allele origin: germline.
Comment: Variant summary: DCHS1 c.7413G>T (p.Gln2471His) results in a non-conservative amino acid change in the encoded protein sequence. Algorithms developed to predict the effect of missense changes on protein structure and function are either unavailable or do not agree on the potential impact of this missense change. The variant was absent in 243958 control chromosomes. The available data on variant occurrences in the general population are insufficient to allow any conclusion about variant significance. To our knowledge, no occurrence of c.7413G>T in individuals affected with DCHS1-related conditions and no experimental evidence demonstrating its impact on protein function have been reported. No submitters have cited clinical-significance assessments for this variant to ClinVar. Based on the evidence outlined above, the variant was classified as uncertain significance.